The following is an entry in ClinVar:

NM_182914.3(SYNE2):c.4933C>G (p.Leu1645Val)

Gene: SYNE2 (spectrin repeat containing nuclear envelope protein 2; plus strand). Cytogenetic location: 14q23.2.
Variant type: single nucleotide variant.
Coding change: c.4933C>G on transcript NM_182914.3 (MANE Select); coding-DNA position 4933, C replaced by G.
Protein change: p.Leu1645Val; replaces leucine 1645 with valine.
Molecular consequence: missense variant.
Genome position (GRCh38, 1-based): chr14:64,017,640, C>G. VCF-style: chr14-64017640-C-G. GRCh37 (hg19) VCF-style: chr14-64484358-C-G.
Other names: c.4933C>G, p.Leu1645Val (NM_015180.6); short protein forms L1645V.
Identifiers: ClinVar variation 538346 (VCV000538346.10), dbSNP rs1555431632, ClinGen allele CA389938167.

ClinVar aggregate classification (germline): Uncertain significance (1 of 4 stars; one submission).

Conditions:
Emery-Dreifuss muscular dystrophy 5, autosomal dominant (EDMD5). Also called: EMERY-DREIFUSS MUSCULAR DYSTROPHY 5. Identifiers: Orphanet 261, MedGen C2751805, MONDO:0013072, OMIM 612999.

Submission:

Labcorp Genetics (formerly Invitae), Labcorp
Classification: Uncertain significance for Emery-Dreifuss muscular dystrophy 5, autosomal dominant. Last evaluated: 2024-08-04. Review status: criteria provided, single submitter. Criteria: Invitae Variant Classification Sherloc (09022015). Collection method: clinical testing. Allele origin: germline.
Comment: This sequence change replaces leucine, which is neutral and non-polar, with valine, which is neutral and non-polar, at codon 1645 of the SYNE2 protein (p.Leu1645Val). This variant is not present in population databases (gnomAD no frequency). This missense change has been observed in individual(s) with clinical features of limb girdle muscular dystrophy (PMID: 35741838). ClinVar contains an entry for this variant (Variation ID: 538346). An algorithm developed to predict the effect of missense changes on protein structure and function (PolyPhen-2) suggests that this variant is likely to be disruptive. In summary, the available evidence is currently insufficient to determine the role of this variant in disease. Therefore, it has been classified as a Variant of Uncertain Significance.

Literature cited by the submitters: PubMed 35741838.